The following is an entry in ClinVar:

NM_024649.5(BBS1):c.1338C>T (p.Thr446=)

Genes: BBS1 (Bardet-Biedl syndrome 1; plus strand), ZDHHC24 (zDHHC palmitoyltransferase 24; minus strand). Cytogenetic location: 11q13.2.
Variant type: single nucleotide variant.
Coding change: c.1338C>T on transcript NM_024649.5 (MANE Select); coding-DNA position 1338, C replaced by T.
Protein change: p.Thr446=; no amino-acid change (threonine 446 retained).
Molecular consequence: synonymous variant. On other transcripts: intron variant (1).
Genome position (GRCh38, 1-based): chr11:66,526,806, C>T. VCF-style: chr11-66526806-C-T. GRCh37 (hg19) VCF-style: chr11-66294277-C-T.
Other names: c.*21+130G>A (NM_001348571.2).
Identifiers: ClinVar variation 285380 (VCV000285380.33), dbSNP rs368302072, ClinGen allele CA6123698.

ClinVar aggregate classification (germline): Conflicting classifications of pathogenicity. Review status: criteria provided, conflicting classifications (1 of 4 stars). 6 submissions from 6 submitters: Uncertain significance (2); Likely benign (2). 2 of the submissions do not count toward it. Last evaluated 2026-01-26.

Conditions:
BBS1-related disorder. Also called: BBS1-related condition.
Bardet-Biedl syndrome 1 (BBS1). Identifiers: MedGen C2936862, MONDO:0008854, OMIM 209900. Disease mechanism: loss of function.
Bardet-Biedl syndrome (BBS). Identifiers: Orphanet 110, MedGen C0752166, MONDO:0015229.

Allele frequency attached by ClinVar (database versions not stated): 1000 Genomes Project 30x 0.00062; TOPMed 0.00002; gnomAD 0.00003; 1000 Genomes Project 0.00080.
gnomAD v4.1: 332 of 1,614,220 alleles (0.021%); highest among the groups gnomAD compares: South Asian, 0.33%; 1 homozygote.

Submissions (6):

Labcorp Genetics (formerly Invitae), Labcorp
Classification: Likely benign for Bardet-Biedl syndrome. Last evaluated: 2026-01-26. Review status: criteria provided, single submitter. Criteria: Invitae Variant Classification Sherloc (09022015). Collection method: clinical testing. Allele origin: germline.

Blueprint Genetics
Classification: Likely benign. Last evaluated: 2022-10-15. Review status: criteria provided, single submitter. Criteria: ACMG Guidelines, 2015. Collection method: clinical testing. Allele origin: germline.

Illumina Laboratory Services, Illumina
Classification: Uncertain significance for Bardet-Biedl syndrome 1. Last evaluated: 2018-01-13. Review status: criteria provided, single submitter. Criteria: ICSL Variant Classification Criteria 13 December 2019. Collection method: clinical testing. Allele origin: germline.

Eurofins Ntd Llc (ga)
Classification: Uncertain significance. Last evaluated: 2015-12-22. Review status: criteria provided, single submitter. Criteria: EGL Classification Definitions 2015. Collection method: clinical testing. Allele origin: germline. Observed: 1 variant allele, 1 heterozygote.

PreventionGenetics, part of Exact Sciences
Classification: Likely benign for BBS1-related condition. Last evaluated: 2020-06-19. Review status: no assertion criteria provided. Collection method: clinical testing. Allele origin: germline. Not counted in ClinVar's aggregate classification.
Comment: This variant is classified as likely benign based on ACMG/AMP sequence variant interpretation guidelines (Richards et al. 2015 PMID: 25741868, with internal and published modifications).

Natera, Inc.
Classification: Likely benign for Bardet-Biedl syndrome type 1. Last evaluated: 2020-01-23. Review status: no assertion criteria provided. Collection method: clinical testing. Allele origin: germline. Not counted in ClinVar's aggregate classification.